The following is an entry in ClinVar:

ClinVar aggregate classification (germline): Uncertain significance (1 of 4 stars; one submission).

Conditions:
Cardiovascular phenotype. Identifiers: MedGen CN230736.

gnomAD v4.1: 1 of 1,614,010 alleles (0.000062%); no homozygotes.

Submission:

Ambry Genetics
Classification: Uncertain significance for Cardiovascular phenotype. Last evaluated: 2026-07-01. Review status: criteria provided, single submitter. Criteria: Ambry Variant Classification Scheme 2023. Collection method: clinical testing. Allele origin: germline.
Comment: The p.T3417N variant (also known as c.10250C>A), located in coding exon 26 of the APOB gene, results from a C to A substitution at nucleotide position 10250. The threonine at codon 3417 is replaced by asparagine, an amino acid with similar properties. This amino acid position is conserved. In addition, this alteration is predicted to be tolerated by in silico analysis. Based on the available evidence, the clinical significance of this variant remains unclear.

NM_000384.3(APOB):c.10250C>A (p.Thr3417Asn)

Gene: APOB (apolipoprotein B; minus strand). Cytogenetic location: 2p24.1.
Variant type: single nucleotide variant.
Coding change: c.10250C>A on transcript NM_000384.3 (MANE Select); coding-DNA position 10250, C replaced by A.
Protein change: p.Thr3417Asn; replaces threonine 3417 with asparagine.
Molecular consequence: missense variant.
Genome position (GRCh38, 1-based): chr2:21,006,618, G>T on the plus strand (C>A on the coding strand, the complement: APOB is on the minus strand). VCF-style: chr2-21006618-G-T. GRCh37 (hg19) VCF-style: chr2-21229490-G-T.
Other names: short protein forms T3417N.
Identifiers: ClinVar variation 5027103 (VCV005027103.1).